The following is an entry in ClinVar:

NM_000090.4(COL3A1):c.2224G>A (p.Asp742Asn)

Gene: COL3A1 (collagen type III alpha 1 chain; plus strand). Cytogenetic location: 2q32.2.
Variant type: single nucleotide variant.
Coding change: c.2224G>A on transcript NM_000090.4 (MANE Select); coding-DNA position 2224, G replaced by A.
Protein change: p.Asp742Asn; replaces aspartic acid 742 with asparagine.
Molecular consequence: missense variant.
Genome position (GRCh38, 1-based): chr2:188,999,572, G>A. VCF-style: chr2-188999572-G-A. GRCh37 (hg19) VCF-style: chr2-189864298-G-A.
Other names: short protein forms D742N.
Identifiers: ClinVar variation 4772753 (VCV004772753.1).

ClinVar aggregate classification (germline): Uncertain significance (1 of 4 stars; one submission).

Conditions:
Ehlers-Danlos syndrome, type 4 (EDSVASC). Also called: Ehlers-Danlos syndrome vascular type; Ehlers Danlos syndrome, ecchymotic type; Ehlers Danlos syndrome, arterial type; Ehlers Danlos syndrome, Sack-Barabas type; Ehlers-Danlos Syndrome Type IV. Identifiers: Orphanet 286, MedGen C0268338, MONDO:0017314, OMIM 130050.

Submission:

Labcorp Genetics (formerly Invitae), Labcorp
Classification: Uncertain significance for Ehlers-Danlos syndrome, type 4. Last evaluated: 2025-09-14. Review status: criteria provided, single submitter. Criteria: Invitae Variant Classification Sherloc (09022015). Collection method: clinical testing. Allele origin: germline.
Comment: This sequence change replaces aspartic acid, which is acidic and polar, with asparagine, which is neutral and polar, at codon 742 of the COL3A1 protein (p.Asp742Asn). This variant is not present in population databases (gnomAD no frequency). This variant has not been reported in the literature in individuals affected with COL3A1-related conditions. Invitae Evidence Modeling of protein sequence and biophysical properties (such as structural, functional, and spatial information, amino acid conservation, physicochemical variation, residue mobility, and thermodynamic stability) indicates that this missense variant is not expected to disrupt COL3A1 protein function with a negative predictive value of 95%. Algorithms developed to predict the effect of sequence changes on RNA splicing suggest that this variant may disrupt the consensus splice site. In summary, the available evidence is currently insufficient to determine the role of this variant in disease. Therefore, it has been classified as a Variant of Uncertain Significance.